The following is an entry in ClinVar:

ClinVar aggregate classification (germline): Uncertain significance. Review status: criteria provided, multiple submitters, no conflicts (2 of 4 stars). 2 submissions from 2 submitters: Uncertain significance (2). Last evaluated 2025-10-17.

Conditions:
Inborn genetic diseases. Identifiers: MedGen C0950123, MeSH D030342.

Allele frequency attached by ClinVar (database versions not stated): TOPMed 0.00004; gnomAD 0.00002; gnomAD exomes 0.00002 and 0.00010; ExAC 0.00008.
gnomAD v4.1: 32 of 1,614,054 alleles (0.002%); highest among the groups gnomAD compares: Admixed American, 0.05%; no homozygotes.

Submissions (2):

Ambry Genetics
Classification: Uncertain significance for Inborn genetic diseases. Last evaluated: 2025-10-17. Review status: criteria provided, single submitter. Criteria: Ambry Variant Classification Scheme 2023. Collection method: clinical testing. Allele origin: germline.

Labcorp Genetics (formerly Invitae), Labcorp
Classification: Uncertain significance. Last evaluated: 2021-12-22. Review status: criteria provided, single submitter. Criteria: Invitae Variant Classification Sherloc (09022015). Collection method: clinical testing. Allele origin: germline.
Comment: This sequence change replaces proline, which is neutral and non-polar, with leucine, which is neutral and non-polar, at codon 726 of the HPS5 protein (p.Pro726Leu). This variant is present in population databases (rs750795578, gnomAD 0.07%). This variant has not been reported in the literature in individuals affected with HPS5-related conditions. Algorithms developed to predict the effect of missense changes on protein structure and function are either unavailable or do not agree on the potential impact of this missense change (SIFT: "Deleterious"; PolyPhen-2: "Probably Damaging"; Align-GVGD: "Class C15"). In summary, the available evidence is currently insufficient to determine the role of this variant in disease. Therefore, it has been classified as a Variant of Uncertain Significance.

NM_181507.2(HPS5):c.2177C>T (p.Pro726Leu)

Gene: HPS5 (HPS5 biogenesis of lysosomal organelles complex 2 subunit 2; minus strand). Cytogenetic location: 11p15.1.
Variant type: single nucleotide variant.
Coding change: c.2177C>T on transcript NM_181507.2 (MANE Select); coding-DNA position 2177, C replaced by T.
Protein change: p.Pro726Leu; replaces proline 726 with leucine.
Molecular consequence: missense variant.
Genome position (GRCh38, 1-based): chr11:18,291,705, G>A on the plus strand (C>T on the coding strand, the complement: HPS5 is on the minus strand). VCF-style: chr11-18291705-G-A. GRCh37 (hg19) VCF-style: chr11-18313252-G-A.
Other names: c.1835C>T, p.Pro612Leu (NM_007216.4, NM_181508.2); short protein forms P612L, P726L.
Identifiers: ClinVar variation 1365827 (VCV001365827.4), dbSNP rs750795578, ClinGen allele CA5909909.